The following is an entry in ClinVar:

ClinVar aggregate classification (germline): Conflicting classifications of pathogenicity. Review status: criteria provided, conflicting classifications (1 of 4 stars). 3 submissions from 1 submitter: Uncertain significance (1); Benign (2). Last evaluated 2018-01-12.

Conditions:
TP63-Related Spectrum Disorders.
Orofacial cleft 8. Also called: Cleft lip with or without cleft palate, nonsyndromic, 8. Identifiers: MedGen C1851878, MONDO:0029145, OMIM 618149.
Ectrodactyly, ectodermal dysplasia, and cleft lip-palate syndrome 3. Also called: Ectrodactyly, Ectodermal Dysplasia, Clefting Syndrome; EEC SYNDROME 3; Ectrodactyly, Ectodermal Dysplasia, Clefting Syndrome Type 3 (EEC3); Ectrodactyly, Ectodermal Dysplasia, Cleft Lip/Palate Syndrome 3 (EEC3). Identifiers: Orphanet 1896, MedGen C1858562, MONDO:0011428, OMIM 604292.

Allele frequency attached by ClinVar (database versions not stated): gnomAD 0.00021 and 0.00033; TOPMed 0.00029; gnomAD exomes 0.00041; 1000 Genomes Project 0.00100; 1000 Genomes Project 30x 0.00109.
gnomAD v4.1: 78 of 223,626 alleles (0.035%); highest among the groups gnomAD compares: South Asian, 0.31%; no homozygotes.

Submissions (3):

Illumina Laboratory Services, Illumina
Classification: Benign for Ectrodactyly, ectodermal dysplasia, and cleft lip-palate syndrome 3. Last evaluated: 2018-01-12. Review status: criteria provided, single submitter. Criteria: ICSL Variant Classification Criteria 13 December 2019. Collection method: clinical testing. Allele origin: germline.
Comment: This variant was observed in the ICSL laboratory as part of a predisposition screen in an ostensibly healthy population. It had not been previously curated by ICSL or reported in the Human Gene Mutation Database (HGMD: prior to June 1st, 2018), and was therefore a candidate for classification through an automated scoring system. Utilizing variant allele frequency, disease prevalence and penetrance estimates, and inheritance mode, an automated score was calculated to assess if this variant is too frequent to cause the disease. Based on the score and internal cut-off values, a variant classified as benign is not then subjected to further curation. The score for this variant resulted in a classification of benign for this disease.

Illumina Laboratory Services, Illumina
Classification: Uncertain significance for Orofacial cleft 8. Last evaluated: 2018-01-12. Review status: criteria provided, single submitter. Criteria: ICSL Variant Classification Criteria 13 December 2019. Collection method: clinical testing. Allele origin: germline.

Illumina Laboratory Services, Illumina
Classification: Benign for TP63-Related Spectrum Disorders. Last evaluated: 2018-01-12. Review status: criteria provided, single submitter. Criteria: ICSL Variant Classification Criteria 13 December 2019. Collection method: clinical testing. Allele origin: germline.
Comment: the same text as in the submission from Illumina Laboratory Services, Illumina above.

NM_003722.5(TP63):c.*2426C>T

Gene: TP63 (tumor protein p63; plus strand). Cytogenetic location: 3q28.
Variant type: single nucleotide variant.
Coding change: c.*2426C>T on transcript NM_003722.5 (MANE Select); 2426 bases downstream of the stop codon, C replaced by T.
Molecular consequence: 3 prime UTR variant.
Genome position (GRCh38, 1-based): chr3:189,896,928, C>T. VCF-style: chr3-189896928-C-T. GRCh37 (hg19) VCF-style: chr3-189614717-C-T.
Other names: c.*2707C>T (NM_001114978.2, NM_001114981.2); c.*2426C>T (NM_001114980.2, NM_001329146.2, NM_001329148.2 and 1 more transcripts); c.*2697C>T (NM_001329144.2, NM_001329145.2, NM_001329149.2 and 1 more transcripts).
Identifiers: ClinVar variation 344432 (VCV000344432.6), dbSNP rs568346565, ClinGen allele CA10617837.